The following is an entry in ClinVar:

NM_000159.4(GCDH):c.641C>T (p.Thr214Met)

Gene: GCDH (glutaryl-CoA dehydrogenase; plus strand). Cytogenetic location: 19p13.13.
Variant type: single nucleotide variant.
Coding change: c.641C>T on transcript NM_000159.4 (MANE Select); coding-DNA position 641, C replaced by T.
Protein change: p.Thr214Met; replaces threonine 214 with methionine.
Molecular consequence: missense variant. On other transcripts: non-coding transcript variant (1).
Genome position (GRCh38, 1-based): chr19:12,896,210, C>T. VCF-style: chr19-12896210-C-T. GRCh37 (hg19) VCF-style: chr19-13007024-C-T.
Other names: c.641C>T, p.Thr214Met (NM_013976.5); short protein forms T214M.
Identifiers: ClinVar variation 430567 (VCV000430567.23), dbSNP rs1131692030, ClinGen allele CA404318457.

ClinVar aggregate classification (germline): Pathogenic/Likely pathogenic. Review status: criteria provided, multiple submitters, no conflicts (2 of 4 stars). 9 submissions from 9 submitters: Pathogenic (1); Likely pathogenic (7). 1 of the submissions does not count toward it. Last evaluated 2025-12-29.

Conditions:
Glutaric aciduria, type 1. Also called: GA I; Glutaryl-CoA dehydrogenase deficiency; Glutaric Acidemia Type 1; Glutaric acidemia type I; Glutaricacidemia Type 1; Glutaricaciduria, type I. Identifiers: Orphanet 25, MedGen C0268595, MONDO:0009281, OMIM 231670.

Allele frequency attached by ClinVar (database versions not stated): gnomAD exomes 0.00001; TOPMed 0.00001; gnomAD 0.00002.

Submissions (9):

Natera, Inc.
Classification: Likely pathogenic for Glutaric acidemia type 1. Last evaluated: 2025-12-29. Review status: criteria provided, single submitter. Criteria: Natera Variant Classification Schema (03/2026). Collection method: clinical testing. Allele origin: germline.
Comment: The c.641C>T variant in GCDH is a missense variant predicted to cause substitution of threonine to methionine at amino acid 214. This variant is rare in the general population with a frequency below the threshold expected for the associated phenotype(s). This variant has been observed in one or more individuals affected with the associated recessive disease, as either homozygous or compound heterozygous with a second variant (PMID: 37317575, 35822093, 30217722). Computational prediction algorithms indicate this variant is likely to affect gene or protein function. Given the available evidence, this variant is classified as Likely Pathogenic.

GeneDx
Classification: Likely pathogenic. Last evaluated: 2025-09-02. Review status: criteria provided, single submitter. Criteria: GeneDx Variant Classification Process June 2021. Collection method: clinical testing. Allele origin: germline. Affected: yes.
Comment: Not observed at significant frequency in large population cohorts (gnomAD); In silico analysis supports that this missense variant has a deleterious effect on protein structure/function; This variant is associated with the following publications: (PMID: 15505400, 34426522, 35822093, 30217722, 19433437, 37317575, 29665094, 37020324)

North West Genomic Laboratory Hub, Manchester University NHS Foundation Trust
Classification: Likely pathogenic for Glutaric aciduria, type 1. Last evaluated: 2025-02-25. Review status: criteria provided, single submitter. Criteria: ACGS Best Practice Guidelines for Variant Classification in Rare Disease 2024. Collection method: clinical testing. Allele origin: germline. Affected: yes.
Comment: PM3_Mod PP4_Supp PM2_Mod PP3_Supp

Fulgent Genetics
Classification: Likely pathogenic for Glutaric aciduria, type 1. Last evaluated: 2024-04-05. Review status: criteria provided, single submitter. Criteria: ACMG Guidelines, 2015. Collection method: clinical testing. Allele origin: germline.

Baylor Genetics
Classification: Likely pathogenic for Glutaric aciduria, type 1. Last evaluated: 2024-03-18. Review status: criteria provided, single submitter. Criteria: ACMG Guidelines, 2015. Collection method: clinical testing. Allele origin: unknown.

Labcorp Genetics (formerly Invitae), Labcorp
Classification: Pathogenic for Glutaric aciduria, type 1. Last evaluated: 2023-11-13. Review status: criteria provided, single submitter. Criteria: Invitae Variant Classification Sherloc (09022015). Collection method: clinical testing. Allele origin: germline.
Comment: This sequence change replaces threonine, which is neutral and polar, with methionine, which is neutral and non-polar, at codon 214 of the GCDH protein (p.Thr214Met). This variant is present in population databases (no rsID available, gnomAD 0.006%). This missense change has been observed in individual(s) with glutaric aciduria type I (PMID: 19433437, 30217722; Invitae). In at least one individual the data is consistent with being in trans (on the opposite chromosome) from a pathogenic variant. ClinVar contains an entry for this variant (Variation ID: 430567). Advanced modeling of protein sequence and biophysical properties (such as structural, functional, and spatial information, amino acid conservation, physicochemical variation, residue mobility, and thermodynamic stability) performed at Invitae indicates that this missense variant is expected to disrupt GCDH protein function with a positive predictive value of 80%. This variant disrupts the p.Thr214 amino acid residue in GCDH. Other variant(s) that disrupt this residue have been determined to be pathogenic (PMID: 22728054, 24332224). This suggests that this residue is clinically significant, and that variants that disrupt this residue are likely to be disease-causing. For these reasons, this variant has been classified as Pathogenic.

Women's Health and Genetics/Laboratory Corporation of America, LabCorp
Classification: Likely pathogenic for Glutaric aciduria, type 1. Last evaluated: 2022-06-08. Review status: criteria provided, single submitter. Criteria: LabCorp Variant Classification Summary - May 2015. Collection method: clinical testing. Allele origin: germline.
Comment: Variant summary: GCDH c.641C>T (p.Thr214Met) results in a non-conservative amino acid change located in the Acyl-CoA oxidase/dehydrogenase, middle domain of the encoded protein sequence. Five of five in-silico tools predict a damaging effect of the variant on protein function. The variant allele was found at a frequency of 8e-06 in 251338 control chromosomes. c.641C>T has been reported in the literature in individuals affected with Glutaric Acidemia Type 1 (Harting_2009, Serrano Russi_2018). To our knowledge, no experimental evidence demonstrating an impact on protein function has been reported. Other missesne variants near the variant of interest have been reported in HGMD in association with Glutaric acidaemia 1, suggesting the functional importance of the region. Three clinical diagnostic laboratories have submitted clinical-significance assessments for this variant to ClinVar after 2014 without evidence for independent evaluation. Two submitters classified the variant as likely pathogenic while one classified as VUS. Based on the evidence outlined above, the variant was classified as likely pathogenic.

Revvity Omics, Revvity
Classification: Likely pathogenic for Glutaric aciduria, type 1. Last evaluated: 2021-11-29. Review status: criteria provided, single submitter. Criteria: ACMG Guidelines, 2015. Collection method: clinical testing. Allele origin: germline.

Counsyl
Classification: Uncertain significance for Glutaric aciduria, type 1. Last evaluated: 2018-11-27. Review status: no assertion criteria provided. Collection method: clinical testing. Allele origin: unknown. Not counted in ClinVar's aggregate classification.

Literature cited by the submitters: PubMed 37317575 (cited by Natera, Inc.); PubMed 35822093 (cited by Natera, Inc.); PubMed 30217722 (cited by 3 submitters); PubMed 19433437 (cited by Labcorp Genetics (formerly Invitae), Labcorp and Women's Health and Genetics/Laboratory Corporation of America, LabCorp); PubMed 22728054 (cited by Labcorp Genetics (formerly Invitae), Labcorp); PubMed 24332224 (cited by Labcorp Genetics (formerly Invitae), Labcorp); PubMed 29665094 (cited by Women's Health and Genetics/Laboratory Corporation of America, LabCorp and Counsyl); PubMed 21031586 (cited by Women's Health and Genetics/Laboratory Corporation of America, LabCorp); PubMed 15505400 (cited by Counsyl).